The following is an entry in ClinVar:

ClinVar aggregate classification (germline): Uncertain significance. Review status: criteria provided, multiple submitters, no conflicts (2 of 4 stars). 2 submissions from 2 submitters: Uncertain significance (2). Last evaluated 2024-01-03.

Conditions:
Inborn genetic diseases. Identifiers: MedGen C0950123, MeSH D030342.

Allele frequency attached by ClinVar (database versions not stated): gnomAD 0.00002; TOPMed 0.00002.
gnomAD v4.1: 5 of 1,613,932 alleles (0.00031%); highest among the groups gnomAD compares: African/African-American, 0.004%; no homozygotes.

Submissions (2):

Ambry Genetics
Classification: Uncertain significance for Inborn genetic diseases. Last evaluated: 2024-01-03. Review status: criteria provided, single submitter. Criteria: Ambry Variant Classification Scheme 2023. Collection method: clinical testing. Allele origin: germline.

Women's Health and Genetics/Laboratory Corporation of America, LabCorp
Classification: Uncertain significance. Last evaluated: 2023-10-30. Review status: criteria provided, single submitter. Criteria: LabCorp Variant Classification Summary - May 2015. Collection method: clinical testing. Allele origin: germline.
Comment: Variant summary: ASH1L c.179C>T (p.Ala60Val) results in a non-conservative amino acid change in the encoded protein sequence. Three of five in-silico tools predict a benign effect of the variant on protein function. The variant allele was found at a frequency of 8e-06 in 251452 control chromosomes. The available data on variant occurrences in the general population are insufficient to allow any conclusion about variant significance. To our knowledge, no occurrence of c.179C>T in individuals affected with Intellectual Disability, Autosomal Dominant 52 and no experimental evidence demonstrating its impact on protein function have been reported. No submitters have cited clinical-significance assessments for this variant to ClinVar after 2014. Based on the evidence outlined above, the variant was classified as uncertain significance.

NM_018489.3(ASH1L):c.179C>T (p.Ala60Val)

Gene: ASH1L (ASH1 like histone lysine methyltransferase; minus strand). Cytogenetic location: 1q22.
Variant type: single nucleotide variant.
Coding change: c.179C>T on transcript NM_018489.3 (MANE Select); coding-DNA position 179, C replaced by T.
Protein change: p.Ala60Val; replaces alanine 60 with valine.
Molecular consequence: missense variant.
Genome position (GRCh38, 1-based): chr1:155,521,341, G>A on the plus strand (C>T on the coding strand, the complement: ASH1L is on the minus strand). VCF-style: chr1-155521341-G-A. GRCh37 (hg19) VCF-style: chr1-155491132-G-A.
Other names: c.179C>T, p.Ala60Val (NM_001366177.2); c.179C>T (NM_018489.2); short protein forms A60V.
Identifiers: ClinVar variation 2637563 (VCV002637563.2), dbSNP rs767568776, ClinGen allele CA1147521.